The following is an entry in ClinVar:

ClinVar aggregate classification (germline): Uncertain significance. Review status: criteria provided, multiple submitters, no conflicts (2 of 4 stars). 2 submissions from 2 submitters: Uncertain significance (2). Last evaluated 2025-10-12.

Submissions (2):

Labcorp Genetics (formerly Invitae), Labcorp
Classification: Uncertain significance. Last evaluated: 2025-10-12. Review status: criteria provided, single submitter. Criteria: Invitae Variant Classification Sherloc (09022015). Collection method: clinical testing. Allele origin: germline.
Comment: This sequence change affects a donor splice site in intron 40 of the C3 gene. While this variant is not anticipated to result in nonsense mediated decay, it likely alters RNA splicing and results in a disrupted protein product. This variant is not present in population databases (gnomAD no frequency). This variant has not been reported in the literature in individuals affected with C3-related conditions. ClinVar contains an entry for this variant (Variation ID: 3647571). Variants that disrupt the consensus splice site are a relatively common cause of aberrant splicing (PMID: 17576681, 9536098). Algorithms developed to predict the effect of sequence changes on RNA splicing suggest that this variant may disrupt the consensus splice site. In summary, the available evidence is currently insufficient to determine the role of this variant in disease. Therefore, it has been classified as a Variant of Uncertain Significance.

Blueprint Genetics
Classification: Uncertain significance. Last evaluated: 2023-07-27. Review status: criteria provided, single submitter. Criteria: ACMG Guidelines, 2015. Collection method: clinical testing. Allele origin: germline.

Literature cited by the submitters: PubMed 17576681 (cited by Labcorp Genetics (formerly Invitae), Labcorp); PubMed 9536098 (cited by Labcorp Genetics (formerly Invitae), Labcorp).

NM_000064.4(C3):c.4850+1G>A

Gene: C3 (complement C3; minus strand). Cytogenetic location: 19p13.3.
Variant type: single nucleotide variant.
Coding change: c.4850+1G>A on transcript NM_000064.4 (MANE Select); the canonical splice donor site of the intron after coding-DNA position 4850, G replaced by A.
Molecular consequence: splice donor variant.
Genome position (GRCh38, 1-based): chr19:6,678,151, C>T on the plus strand (G>A on the coding strand, the complement: C3 is on the minus strand). VCF-style: chr19-6678151-C-T. GRCh37 (hg19) VCF-style: chr19-6678162-C-T.
Identifiers: ClinVar variation 3647571 (VCV003647571.3).
Genomic context (GRCh38, chr19:6,678,151, plus strand): 5'-GTGGGCGTGGCATGGGCGGGGCAGTCGGGCGGTCGCGCGCACGCGCAGGGAAAGCACTCA[C>T]TTGGGCTTCTCTCCCCAGAAATCGGAGGAGAGACCCCACATGAGGTAGTGTTTCTTCTCC-3'